The following is an entry in ClinVar:

ClinVar aggregate classification (germline): Uncertain significance. Review status: criteria provided, multiple submitters, no conflicts (2 of 4 stars). 3 submissions from 3 submitters: Uncertain significance (3). Last evaluated 2025-05-12.

Conditions:
Spastic paraplegia. Identifiers: MedGen C0037772, HP:0001258.

Allele frequency attached by ClinVar (database versions not stated): ExAC 0.00005; TOPMed 0.00006; ESP Exome Variant Server 0.00023; gnomAD 0.00008 and 0.00007; gnomAD exomes 0.00003 and 0.00002.
gnomAD v4.1: 46 of 1,613,994 alleles (0.0029%); highest among the groups gnomAD compares: Non-Finnish European, 0.0033%; no homozygotes.

Submissions (3):

GeneDx
Classification: Uncertain significance. Last evaluated: 2025-05-12. Review status: criteria provided, single submitter. Criteria: GeneDx Variant Classification Process June 2021. Collection method: clinical testing. Allele origin: germline. Affected: yes.
Comment: Not observed at significant frequency in large population cohorts (gnomAD); In silico analysis supports that this missense variant has a deleterious effect on protein structure/function; Has not been previously published as pathogenic or benign to our knowledge

Mayo Clinic Laboratories, Mayo Clinic
Classification: Uncertain significance. Last evaluated: 2022-05-31. Review status: criteria provided, single submitter. Criteria: ACMG Guidelines, 2015. Collection method: clinical testing. Allele origin: germline. Observed: 1 variant allele.
Comment: BP4, PM2

Labcorp Genetics (formerly Invitae), Labcorp
Classification: Uncertain significance for Spastic paraplegia. Last evaluated: 2021-08-24. Review status: criteria provided, single submitter. Criteria: Invitae Variant Classification Sherloc (09022015). Collection method: clinical testing. Allele origin: germline.
Comment: This sequence change replaces arginine with cysteine at codon 855 of the GBA2 protein (p.Arg855Cys). The arginine residue is moderately conserved and there is a large physicochemical difference between arginine and cysteine. This variant is present in population databases (rs374335041, ExAC 0.01%). This variant has not been reported in the literature in individuals affected with GBA2-related conditions. Algorithms developed to predict the effect of missense changes on protein structure and function are either unavailable or do not agree on the potential impact of this missense change (SIFT: "Deleterious"; PolyPhen-2: "Probably Damaging"; Align-GVGD: "Class C0"). In summary, the available evidence is currently insufficient to determine the role of this variant in disease. Therefore, it has been classified as a Variant of Uncertain Significance.

NM_020944.3(GBA2):c.2563C>T (p.Arg855Cys)

Gene: GBA2 (glucosylceramidase beta 2; minus strand). Cytogenetic location: 9p13.3.
Variant type: single nucleotide variant.
Coding change: c.2563C>T on transcript NM_020944.3 (MANE Select); coding-DNA position 2563, C replaced by T.
Protein change: p.Arg855Cys; replaces arginine 855 with cysteine.
Molecular consequence: missense variant. On other transcripts: 3 prime UTR variant (1).
Genome position (GRCh38, 1-based): chr9:35,737,390, G>A on the plus strand (C>T on the coding strand, the complement: GBA2 is on the minus strand). VCF-style: chr9-35737390-G-A. GRCh37 (hg19) VCF-style: chr9-35737387-G-A.
Other names: p.Arg855Cys; c.*86C>T (NM_001330660.2); c.2563C>T (NM_020944.2); short protein forms R855C.
Identifiers: ClinVar variation 1009462 (VCV001009462.7), dbSNP rs374335041, ClinGen allele CA5050037.